The following is an entry in ClinVar:

NC_000006.11:g.(?_137191125)_(137199715_?)del

Gene: PEX7 (peroxisomal biogenesis factor 7; plus strand). Cytogenetic location: 6q23.3.
Variant type: Deletion.
Identifiers: ClinVar variation 1508596 (VCV001508596.4).

ClinVar aggregate classification (germline): Likely pathogenic (1 of 4 stars; one submission).

Conditions:
Peroxisome biogenesis disorder 9B. Also called: PEX7-Related Refsum Disease; PEROXISOME BIOGENESIS DISORDER, PEX7-RELATED, ATYPICAL; Refsum disease, adult, 2. Identifiers: Orphanet 773, MedGen C2749346, MONDO:0013945, OMIM 614879.

Submission:

Labcorp Genetics (formerly Invitae), Labcorp
Classification: Likely pathogenic for Peroxisome biogenesis disorder 9B. Last evaluated: 2021-12-15. Review status: criteria provided, single submitter. Criteria: Invitae Variant Classification Sherloc (09022015). Collection method: clinical testing. Allele origin: germline.
Comment: In summary, the currently available evidence indicates that the variant is pathogenic, but additional data are needed to prove that conclusively. Therefore, this variant has been classified as Likely Pathogenic. This variant has not been reported in the literature in individuals affected with PEX7-related conditions. This variant results in the deletion of exon 8 and part of exon 7 (c.733_803+6326del) of the PEX7 gene. It is expected to disrupt RNA splicing. Variants that disrupt the donor or acceptor splice site typically lead to a loss of protein function (PMID: 16199547), and loss-of-function variants in PEX7 are known to be pathogenic (PMID: 12325024, 12522768, 20301447).

Literature cited by the submitters: PubMed 16199547; PubMed 12325024; PubMed 12522768; PubMed 20301447.